The following is an entry in ClinVar:

ClinVar aggregate classification (germline): Pathogenic (1 of 4 stars; one submission).

Conditions:
Juvenile polyposis syndrome (JPS). Identifiers: Orphanet 2929, MedGen C0345893, MONDO:0017380, OMIM 174900.

Submission:

Labcorp Genetics (formerly Invitae), Labcorp
Classification: Pathogenic for Juvenile polyposis syndrome. Last evaluated: 2024-02-29. Review status: criteria provided, single submitter. Criteria: Invitae Variant Classification Sherloc (09022015). Collection method: clinical testing. Allele origin: germline.
Comment: This sequence change creates a premature translational stop signal (p.Thr267Profs*69) in the SMAD4 gene. It is expected to result in an absent or disrupted protein product. Loss-of-function variants in SMAD4 are known to be pathogenic (PMID: 16152648, 16436638, 22810475). This variant is not present in population databases (gnomAD no frequency). This premature translational stop signal has been observed in individual(s) with juvenile polyps (PMID: 23399955). For these reasons, this variant has been classified as Pathogenic.

Literature cited by the submitters: PubMed 16152648; PubMed 16436638; PubMed 22810475; PubMed 23399955.

NM_005359.6(SMAD4):c.798del (p.Thr267fs)

Gene: SMAD4 (SMAD family member 4; plus strand). Cytogenetic location: 18q21.2.
Variant type: Deletion.
Coding change: c.798del on transcript NM_005359.6 (MANE Select); coding-DNA position 798, one base deleted (C; older notation c.798delC).
Protein change: p.Thr267fs; shifts the reading frame from threonine 267.
Molecular consequence: frameshift variant. On other transcripts: non-coding transcript variant (2).
Genome position (GRCh38, 1-based): chr18:51,058,350, C deleted; the last of 2 consecutive C bases (chr18:51,058,349-51,058,350); deleting either gives the same sequence. VCF-style (leftmost placement, unchanged base first): chr18-51058348-AC-A. GRCh37 (hg19) VCF-style: chr18-48584718-AC-A.
Other names: c.798del, p.Thr267fs (NM_001407041.1, NM_001407042.1, NM_001407043.1); short protein forms T267fs.
Identifiers: ClinVar variation 3723139 (VCV003723139.2).